The following is an entry in ClinVar:

ClinVar aggregate classification (germline): Uncertain significance. Review status: criteria provided, multiple submitters, no conflicts (2 of 4 stars). 2 submissions from 2 submitters: Uncertain significance (2). Last evaluated 2025-09-11.

Conditions:
Gorlin syndrome. Also called: Nevoid Basal Cell Carcinoma Syndrome; Basal cell nevus syndrome. Identifiers: Orphanet 377, MedGen C0004779, MONDO:0007187.
Medulloblastoma (MDB). Also called: MEDULLOBLASTOMA PREDISPOSITION SYNDROME; Medulloblastoma, somatic. Identifiers: Orphanet 616, MedGen C0025149, MeSH D008527, MONDO:0007959, OMIM 155255, HP:0002885.
Hereditary cancer-predisposing syndrome. Also called: Hereditary neoplastic syndrome; Tumor predisposition; Neoplastic Syndromes, Hereditary; Hereditary Cancer Syndrome. Identifiers: Orphanet 140162, MedGen C0027672, MeSH D009386, MONDO:0015356.

Submissions (2):

Ambry Genetics
Classification: Uncertain significance for Hereditary cancer-predisposing syndrome. Last evaluated: 2025-09-11. Review status: criteria provided, single submitter. Criteria: Ambry Variant Classification Scheme 2023. Collection method: clinical testing. Allele origin: germline.
Comment: The p.T225S variant (also known as c.673A>T), located in coding exon 5 of the SUFU gene, results from an A to T substitution at nucleotide position 673. The threonine at codon 225 is replaced by serine, an amino acid with similar properties. This amino acid position is conserved. In addition, this alteration is predicted to be tolerated by in silico analysis. Since supporting evidence is limited at this time, the clinical significance of this alteration remains unclear.

Labcorp Genetics (formerly Invitae), Labcorp
Classification: Uncertain significance for Gorlin syndrome; Medulloblastoma. Last evaluated: 2024-05-01. Review status: criteria provided, single submitter. Criteria: Invitae Variant Classification Sherloc (09022015). Collection method: clinical testing. Allele origin: germline.
Comment: This sequence change replaces threonine, which is neutral and polar, with serine, which is neutral and polar, at codon 225 of the SUFU protein (p.Thr225Ser). This variant is not present in population databases (gnomAD no frequency). This variant has not been reported in the literature in individuals affected with SUFU-related conditions. ClinVar contains an entry for this variant (Variation ID: 858740). Advanced modeling of protein sequence and biophysical properties (such as structural, functional, and spatial information, amino acid conservation, physicochemical variation, residue mobility, and thermodynamic stability) performed at Invitae indicates that this missense variant is not expected to disrupt SUFU protein function with a negative predictive value of 80%. In summary, the available evidence is currently insufficient to determine the role of this variant in disease. Therefore, it has been classified as a Variant of Uncertain Significance.

NM_016169.4(SUFU):c.673A>T (p.Thr225Ser)

Gene: SUFU (SUFU negative regulator of hedgehog signaling; plus strand). Cytogenetic location: 10q24.32.
Variant type: single nucleotide variant.
Coding change: c.673A>T on transcript NM_016169.4 (MANE Select); coding-DNA position 673, A replaced by T.
Protein change: p.Thr225Ser; replaces threonine 225 with serine.
Molecular consequence: missense variant.
Genome position (GRCh38, 1-based): chr10:102,593,711, A>T. VCF-style: chr10-102593711-A-T. GRCh37 (hg19) VCF-style: chr10-104353468-A-T.
Other names: c.673A>T, p.Thr225Ser (NM_001178133.2); short protein forms T225S.
Identifiers: ClinVar variation 858740 (VCV000858740.16), dbSNP rs2063429642, ClinGen allele CA377909626.
Genomic context (GRCh38, chr10:102,593,711, plus strand): 5'-ACTGAAGAGCTACACTCAGCCCAGCAGTGGAACGGGCAGGGCATCCTGGAGCTGCTGCGG[A>T]CAGTGCCTATGTGAGTACCCATGCAAGGTGGGAGCGCGGCTCCCTGGGCCTGGGGGTGGG-3'
Protein context (NP_057253.2, residues 215-235): NGQGILELLR[Thr225Ser]VPIAGGPWLI